The following is an entry in ClinVar:

NM_020975.6(RET):c.1653C>A (p.Ile551=)

Gene: RET (ret proto-oncogene; plus strand). Cytogenetic location: 10q11.21.
Variant type: single nucleotide variant.
Coding change: c.1653C>A on transcript NM_020975.6 (MANE Select); coding-DNA position 1653, C replaced by A.
Protein change: p.Ile551=; no amino-acid change (isoleucine 551 retained).
Molecular consequence: synonymous variant.
Genome position (GRCh38, 1-based): chr10:43,112,857, C>A. VCF-style: chr10-43112857-C-A. GRCh37 (hg19) VCF-style: chr10-43608305-C-A.
Other names: c.891C>A, p.Ile297= (NM_001355216.2); c.1653C>A, p.Ile551= (NM_001406743.1, NM_001406744.1, NM_001406759.1 and 4 more transcripts); c.1524C>A, p.Ile508= (NM_001406761.1, NM_001406762.1, NM_001406764.1 and 1 more transcripts); c.1365C>A, p.Ile455= (NM_001406766.1, NM_001406767.1, NM_001406770.1); c.1257C>A, p.Ile419= (NM_001406769.1, NM_001406772.1); c.1215C>A, p.Ile405= (NM_001406771.1, NM_001406773.1); c.1128C>A, p.Ile376= (NM_001406774.1); c.927C>A, p.Ile309= (NM_001406775.1, NM_001406776.1, NM_001406777.1 and 1 more transcripts); and 5 more.
Identifiers: ClinVar variation 3713678 (VCV003713678.3).

ClinVar aggregate classification (germline): Conflicting classifications of pathogenicity. Review status: criteria provided, conflicting classifications (1 of 4 stars). 2 submissions from 2 submitters: Uncertain significance (1); Likely benign (1). Last evaluated 2026-03-11.

Conditions:
Hereditary cancer-predisposing syndrome. Also called: Hereditary Cancer Syndrome; Neoplastic Syndromes, Hereditary; Tumor predisposition; Hereditary neoplastic syndrome. Identifiers: Orphanet 140162, MedGen C0027672, MeSH D009386, MONDO:0015356.
Multiple endocrine neoplasia, type 2 (MEN2). Identifiers: Orphanet 653, MedGen C4048306, MONDO:0019003. Disease mechanism: gain of function.

gnomAD v4.1: 1 of 1,613,208 alleles (0.000062%); highest among the groups gnomAD compares: Admixed American, 0.0017%; no homozygotes.

Submissions (2):

Ambry Genetics
Classification: Uncertain significance for Hereditary cancer-predisposing syndrome. Last evaluated: 2026-03-11. Review status: criteria provided, single submitter. Criteria: Ambry Variant Classification Scheme 2023. Collection method: clinical testing. Allele origin: germline.
Comment: The c.1653C>A variant (also known as p.I551I), located in coding exon 9 of the RET gene, results from a C to A substitution at nucleotide position 1653. This nucleotide substitution does not change the isoleucine at codon 551. This nucleotide position is not well conserved in available vertebrate species. In silico splice site analysis predicts that this alteration may result in the creation or strengthening of a novel splice acceptor site. Based on the available evidence, the clinical significance of this variant remains unclear.

Labcorp Genetics (formerly Invitae), Labcorp
Classification: Likely benign for Multiple endocrine neoplasia, type 2. Last evaluated: 2024-06-08. Review status: criteria provided, single submitter. Criteria: Invitae Variant Classification Sherloc (09022015). Collection method: clinical testing. Allele origin: germline.